The following is an entry in ClinVar:

NM_004371.4(COPA):c.3192G>A (p.Leu1064=)

Gene: COPA (coat protein complex I subunit alpha; minus strand). Cytogenetic location: 1q23.2.
Variant type: single nucleotide variant.
Coding change: c.3192G>A on transcript NM_004371.4 (MANE Select); coding-DNA position 3192, G replaced by A.
Protein change: p.Leu1064=; no amino-acid change (leucine 1064 retained).
Molecular consequence: synonymous variant.
Genome position (GRCh38, 1-based): chr1:160,291,885, C>T on the plus strand (G>A on the coding strand, the complement: COPA is on the minus strand). VCF-style: chr1-160291885-C-T. GRCh37 (hg19) VCF-style: chr1-160261675-C-T.
Other names: c.3192G>A (NM_004371.3); c.3219G>A, p.Leu1073= (NM_001098398.2).
Identifiers: ClinVar variation 1170472 (VCV001170472.11), dbSNP rs140803372, ClinGen allele CA1197674.
Genomic context (GRCh38, chr1:160,291,885, plus strand): 5'-GATGCGCTTCTGCTGTTCTAGAGTCTCTTTGGGCAGCTTCTTCCTTTCTGTCTCCACGGA[C>T]AAACCCACAATGTACTCACGGCAAATGGTGATGAGCTGCTGGGCCTGTAGAGGGGGCAGA-3'
Protein context (NP_004362.2, residues 1054-1074): ITICREYIVG[Leu1064=]SVETERKKLP

ClinVar aggregate classification (germline): Benign. Review status: criteria provided, single submitter (1 of 4 stars). 2 submissions from 2 submitters: Benign (1). 1 of the submissions does not count toward it. Last evaluated 2026-02-01.

Conditions:
COPA-related disorder. Also called: COPA-related condition.
Autoimmune interstitial lung disease-arthritis syndrome. Also called: Autoinflammation and autoimmunity, systemic, with immune dysregulation. Identifiers: Orphanet 444092, MedGen C5975714, MONDO:0014629.

Allele frequency attached by ClinVar (database versions not stated): gnomAD exomes 0.00003 and 0.00009; ExAC 0.00012; gnomAD 0.00035 and 0.00039; ESP Exome Variant Server 0.00038; TOPMed 0.00045; 1000 Genomes Project 0.00060; 1000 Genomes Project 30x 0.00062.
gnomAD v4.1: 106 of 1,614,150 alleles (0.0066%); highest among the groups gnomAD compares: African/African-American, 0.1%; 1 homozygote.

Submissions (2):

Labcorp Genetics (formerly Invitae), Labcorp
Classification: Benign for Autoimmune interstitial lung disease-arthritis syndrome. Last evaluated: 2026-02-01. Review status: criteria provided, single submitter. Criteria: Invitae Variant Classification Sherloc (09022015). Collection method: clinical testing. Allele origin: germline.

PreventionGenetics, part of Exact Sciences
Classification: Likely benign for COPA-related condition. Last evaluated: 2019-07-08. Review status: no assertion criteria provided. Collection method: clinical testing. Allele origin: germline. Not counted in ClinVar's aggregate classification.
Comment: This variant is classified as likely benign based on ACMG/AMP sequence variant interpretation guidelines (Richards et al. 2015 PMID: 25741868, with internal and published modifications).